The following is an entry in ClinVar:

ClinVar aggregate classification (germline): Uncertain significance (1 of 4 stars; one submission).

Allele frequency attached by ClinVar (database versions not stated): gnomAD 0.00001; TOPMed 0.00001; gnomAD exomes 0.00002.
gnomAD v4.1: 30 of 1,613,634 alleles (0.0019%); highest among the groups gnomAD compares: Non-Finnish European, 0.0025%; no homozygotes.

Submission:

Ambry Genetics
Classification: Uncertain significance. Last evaluated: 2022-04-07. Review status: criteria provided, single submitter. Criteria: Ambry Variant Classification Scheme 2023. Collection method: clinical testing. Allele origin: germline.
Comment: The p.G517S variant (also known as c.1549G>A), located in coding exon 15 of the PRKDC gene, results from a G to A substitution at nucleotide position 1549. The glycine at codon 517 is replaced by serine, an amino acid with similar properties. This amino acid position is conserved. In addition, this alteration is predicted to be tolerated by in silico analysis. Since supporting evidence is limited at this time, the clinical significance of this alteration remains unclear.

NM_006904.7(PRKDC):c.1549G>A (p.Gly517Ser)

Gene: PRKDC (protein kinase, DNA-activated, catalytic subunit; minus strand). Cytogenetic location: 8q11.21.
Variant type: single nucleotide variant.
Coding change: c.1549G>A on transcript NM_006904.7 (MANE Select); coding-DNA position 1549, G replaced by A.
Protein change: p.Gly517Ser; replaces glycine 517 with serine.
Molecular consequence: missense variant.
Genome position (GRCh38, 1-based): chr8:47,934,039, C>T on the plus strand (G>A on the coding strand, the complement: PRKDC is on the minus strand). VCF-style: chr8-47934039-C-T. GRCh37 (hg19) VCF-style: chr8-48846599-C-T.
Other names: c.1549G>A, p.Gly517Ser (NM_001081640.2); short protein forms G517S.
Identifiers: ClinVar variation 1774998 (VCV001774998.2), dbSNP rs1369674337, ClinGen allele CA371165412.
Genomic context (GRCh38, chr8:47,934,039, plus strand): 5'-AGCTCAGGAGATGTCTGAAGAGATCCACGTAGTCTTTGTATGTGGGCACCTTCCATTTGC[C>T]AGTTCTGACTTCCCCTGAAGCACGGTGGTCTTCAGATTCAGACTCAGGGCCCTGGCCAGA-3'
Protein context (NP_008835.5, residues 507-527): DHRASGEVRT[Gly517Ser]KWKVPTYKDY